The following is an entry in ClinVar:

NM_015272.5(RPGRIP1L):c.131G>A (p.Arg44His)

Gene: RPGRIP1L (RPGRIP1 like; minus strand). Cytogenetic location: 16q12.2.
Variant type: single nucleotide variant.
Coding change: c.131G>A on transcript NM_015272.5 (MANE Select); coding-DNA position 131, G replaced by A.
Protein change: p.Arg44His; replaces arginine 44 with histidine.
Molecular consequence: missense variant.
Genome position (GRCh38, 1-based): chr16:53,696,250, C>T on the plus strand (G>A on the coding strand, the complement: RPGRIP1L is on the minus strand). VCF-style: chr16-53696250-C-T. GRCh37 (hg19) VCF-style: chr16-53730162-C-T.
Other names: p.Arg44His; c.131G>A, p.Arg44His (NM_001127897.4, NM_001308334.3, NM_001328422.2 and 2 more transcripts); short protein forms R44H.
Identifiers: ClinVar variation 2636629 (VCV002636629.3), dbSNP rs771458105, ClinGen allele CA8058205.
Genomic context (GRCh38, chr16:53,696,250, plus strand): 5'-AGTAAAATGTTCTCATCATGCAAACGCAAAAATCTGTCTTCCAGTTCCTCACGACTGACA[C>T]GTGACACTGCCTGGCGAGACTTCATTGTCCGTGTTGTTGAAGTTTCTGCAAAAATGCCAA-3'
Protein context (NP_056087.2, residues 34-54): RTMKSRQAVS[Arg44His]VSREELEDRF

ClinVar aggregate classification (germline): Uncertain significance. Review status: criteria provided, multiple submitters, no conflicts (2 of 4 stars). 2 submissions from 2 submitters: Uncertain significance (2). Last evaluated 2026-07-29.

Conditions:
RPGRIP1L-related disorder. Also called: RPGRIP1L-related condition; RPGRIP1L-related disorders. Identifiers: MedGen CN239416.

Allele frequency attached by ClinVar (database versions not stated): TOPMed below 0.00001; ExAC 0.00001; gnomAD 0.00001.
gnomAD v4.1: 10 of 1,613,946 alleles (0.00062%); highest among the groups gnomAD compares: Admixed American, 0.005%; no homozygotes.

Submissions (2):

PreventionGenetics, part of Exact Sciences
Classification: Uncertain significance for RPGRIP1L-related condition. Last evaluated: 2026-07-29. Review status: criteria provided, single submitter. Criteria: ACMG Guidelines, 2015. Collection method: clinical testing. Allele origin: germline.
Comment: The RPGRIP1L c.131G>A variant is predicted to result in the amino acid substitution p.Arg44His. This variant was reported in an individual from a myelomeningocele cohort (subject A21-447 in Table S3, Au et al. 2021. PubMed ID: 33574475). This variant is reported in 0.0040% of alleles in individuals of African descent in gnomAD. At this time, the clinical significance of this variant is uncertain due to the absence of conclusive functional and genetic evidence.

Mayo Clinic Laboratories, Mayo Clinic
Classification: Uncertain significance. Last evaluated: 2025-12-05. Review status: criteria provided, single submitter. Criteria: ACMG Guidelines, 2015. Collection method: clinical testing. Allele origin: germline. Observed: 1 variant allele.

Literature cited by the submitters: PubMed 33574475 (cited by Mayo Clinic Laboratories, Mayo Clinic).